The following is an entry in ClinVar:

ClinVar aggregate classification (germline): Likely benign (1 of 4 stars; one submission).

Allele frequency attached by ClinVar (database versions not stated): gnomAD 0.00418 and 0.00444; TOPMed 0.00490; 1000 Genomes Project 0.00579; 1000 Genomes Project 30x 0.00671.
gnomAD v4.1: 1,064 of 1,257,150 alleles (0.085%); highest among the groups gnomAD compares: African/African-American, 1.4%; 5 homozygotes.

Submissions (4):

GeneDx
Classification: Likely benign. Last evaluated: 2018-06-12. Review status: criteria provided, single submitter. Criteria: GeneDx Variant Classification (06012015). Collection method: clinical testing. Allele origin: germline. Affected: yes.
Comment: This variant is considered likely benign or benign based on one or more of the following criteria: it is a conservative change, it occurs at a poorly conserved position in the protein, it is predicted to be benign by multiple in silico algorithms, and/or has population frequency not consistent with disease.

Dr. Peter K. Rogan Lab, Western University
No classification provided (evidence only). Condition: Acute myeloid leukemia. Review status: no classification provided. Collection method: in vitro. Allele origin: not applicable. Functional consequence: retained intron. Not counted in ClinVar's aggregate classification.

Dr. Peter K. Rogan Lab, Western University
No classification provided (evidence only). Condition: Uterine corpus endometrial carcinoma. Review status: no classification provided. Collection method: in vitro. Allele origin: not applicable. Functional consequence: retained intron. Not counted in ClinVar's aggregate classification.

Dr. Peter K. Rogan Lab, Western University
No classification provided (evidence only). Condition: Thymoma. Review status: no classification provided. Collection method: in vitro. Allele origin: not applicable. Functional consequence: retained intron. Not counted in ClinVar's aggregate classification.

NM_000368.5(TSC1):c.1997+133A>G

Gene: TSC1 (TSC complex subunit 1; minus strand). Cytogenetic location: 9q34.13.
Variant type: single nucleotide variant.
Coding change: c.1997+133A>G on transcript NM_000368.5 (MANE Select); 133 bases into the intron after coding-DNA position 1997, A replaced by G.
Molecular consequence: intron variant.
Genome position (GRCh38, 1-based): chr9:132,905,448, T>C on the plus strand (A>G on the coding strand, the complement: TSC1 is on the minus strand). VCF-style: chr9-132905448-T-C. GRCh37 (hg19) VCF-style: chr9-135780835-T-C.
Other names: NC_000009.11:g.135780835T>C; c.1634+133A>G (NM_001362177.2); c.1844+133A>G (NM_001162427.2); c.1994+133A>G (NM_001162426.2).
Identifiers: ClinVar variation 677510 (VCV000677510.2), dbSNP rs190614659, ClinGen allele CA200888025.